The following is an entry in ClinVar:

NM_004655.4(AXIN2):c.337G>T (p.Ala113Ser)

Gene: AXIN2 (axin 2; minus strand). Cytogenetic location: 17q24.1.
Variant type: single nucleotide variant.
Coding change: c.337G>T on transcript NM_004655.4 (MANE Select); coding-DNA position 337, G replaced by T.
Protein change: p.Ala113Ser; replaces alanine 113 with serine.
Molecular consequence: missense variant.
Genome position (GRCh38, 1-based): chr17:65,558,284, C>A on the plus strand (G>T on the coding strand, the complement: AXIN2 is on the minus strand). VCF-style: chr17-65558284-C-A. GRCh37 (hg19) VCF-style: chr17-63554402-C-A.
Other names: c.337G>T, p.Ala113Ser (NM_001363813.1); short protein forms A113S.
Identifiers: ClinVar variation 1730811 (VCV001730811.3), dbSNP rs2044303762, ClinGen allele CA400681616.

ClinVar aggregate classification (germline): Uncertain significance. Review status: criteria provided, multiple submitters, no conflicts (2 of 4 stars). 2 submissions from 2 submitters: Uncertain significance (2). Last evaluated 2023-11-17.

Conditions:
Colorectal cancer. Also called: Colorectal cancer, somatic; Malignant Colorectal Neoplasm. Identifiers: MedGen C0346629, MONDO:0005575, OMIM 114500.
Hereditary cancer-predisposing syndrome. Also called: Neoplastic Syndromes, Hereditary; Tumor predisposition; Hereditary Cancer Syndrome; Hereditary neoplastic syndrome. Identifiers: Orphanet 140162, MedGen C0027672, MeSH D009386, MONDO:0015356.

Submissions (2):

Baylor Genetics
Classification: Uncertain significance for Colorectal cancer. Last evaluated: 2023-11-17. Review status: criteria provided, single submitter. Criteria: ACMG Guidelines, 2015. Collection method: clinical testing. Allele origin: unknown.

Ambry Genetics
Classification: Uncertain significance for Hereditary cancer-predisposing syndrome. Last evaluated: 2021-05-11. Review status: criteria provided, single submitter. Criteria: Ambry Variant Classification Scheme 2023. Collection method: clinical testing. Allele origin: germline.
Comment: The p.A113S variant (also known as c.337G>T), located in coding exon 1 of the AXIN2 gene, results from a G to T substitution at nucleotide position 337. The alanine at codon 113 is replaced by serine, an amino acid with similar properties. This amino acid position is highly conserved in available vertebrate species. In addition, the in silico prediction for this alteration is inconclusive. Since supporting evidence is limited at this time, the clinical significance of this alteration remains unclear.